The following is an entry in ClinVar:

NM_015110.4(SMC5):c.349G>T (p.Gly117Ter)

Gene: SMC5 (structural maintenance of chromosomes 5; plus strand). Cytogenetic location: 9q21.12.
Variant type: single nucleotide variant.
Coding change: c.349G>T on transcript NM_015110.4 (MANE Select); coding-DNA position 349, G replaced by T.
Protein change: p.Gly117Ter; replaces glycine 117 with a stop codon.
Molecular consequence: nonsense.
Genome position (GRCh38, 1-based): chr9:70,267,944, G>T. VCF-style: chr9-70267944-G-T. GRCh37 (hg19) VCF-style: chr9-72882860-G-T.
Other names: short protein forms G117*.
Identifiers: ClinVar variation 4856047 (VCV004856047.1).

ClinVar aggregate classification (germline): Likely pathogenic (1 of 4 stars; one submission).

Conditions:
Atelis syndrome 2 (ATELS2). Also called: POOR GROWTH, MICROCEPHALY, DYSMORPHIC FACIES, AND CARDIAC DEFECTS; MOSAIC VARIEGATED ANEUPLOIDY SYNDROME 6. Identifiers: MedGen C5774282, MONDO:0859576, OMIM 620185.

Submission:

3billion
Classification: Likely pathogenic for Atelis syndrome 2. Last evaluated: 2026-01-30. Review status: criteria provided, single submitter. Criteria: ACMG Guidelines, 2015. Collection method: clinical testing. Allele origin: germline. Affected: yes.
Comment: The variant is not observed in the gnomAD v4.1.0 dataset. Predicted Consequence/Location: Stop-gained (nonsense): predicted to result in a loss or disruption of normal protein function through nonsense-mediated decay (NMD) or protein truncation. Multiple pathogenic variants are reported downstream of the variant. Therefore, this variant is classified as Likely pathogenic according to the recommendation of ACMG/AMP guideline.